The following is an entry in ClinVar:

ClinVar aggregate classification (germline): Likely pathogenic (0 of 4 stars; one submission).

Conditions:
PAX2-Related Disorder. Also called: PAX2-related disorders. Identifiers: MedGen CN381309.

Submission:

PreventionGenetics, part of Exact Sciences
Classification: Likely pathogenic for PAX2-related condition. Last evaluated: 2024-07-20. Review status: no assertion criteria provided. Collection method: clinical testing. Allele origin: germline.
Comment: The PAX2 c.809_836delinsCG variant is predicted to result in a frameshift and premature protein termination (p.Arg270Profs*23). To our knowledge, this variant has not been reported in the literature or in a large population database, indicating this variant is rare. Frameshift variants in PAX2 are expected to be pathogenic. This variant is interpreted as likely pathogenic.

NM_000278.5(PAX2):c.740_767delinsCG (p.Arg247fs)

Gene: PAX2 (paired box 2; plus strand). Cytogenetic location: 10q24.31.
Variant type: Indel.
Coding change: c.740_767delinsCG on transcript NM_000278.5 (MANE Select); coding-DNA positions 740 to 767, GTCCTTCCTACCCTGACGTCTTCCAGGC replaced by CG.
Protein change: p.Arg247fs; shifts the reading frame from arginine 247.
Molecular consequence: frameshift variant.
Genome position (GRCh38, 1-based): chr10:100,806,553-100,806,580, GTCCTTCCTACCCTGACGTCTTCCAGGC replaced by CG. VCF-style: chr10-100806553-GTCCTTCCTACCCTGACGTCTTCCAGGC-CG. GRCh37 (hg19) VCF-style: chr10-102566310-GTCCTTCCTACCCTGACGTCTTCCAGGC-CG.
Other names: c.833_860delinsCG, p.Arg278fs (NM_001304569.2); c.809_836delinsCG, p.Arg270fs (NM_003987.5, NM_003990.5); c.740_767delinsCG, p.Arg247fs (NM_003988.5, NM_003989.5); short protein forms R247fs, R270fs, R278fs.
Identifiers: ClinVar variation 3346609 (VCV003346609.1).